The following is an entry in ClinVar:

ClinVar aggregate classification (germline): Conflicting classifications of pathogenicity. Review status: criteria provided, conflicting classifications (1 of 4 stars). 12 submissions from 11 submitters: Uncertain significance (5); Benign (2); Likely benign (3). 2 of the submissions do not count toward it. Last evaluated 2026-09-12.

Conditions:
POMC-related disorder. Also called: POMC-related disorders; POMC-related condition.
Early onset severe obesity. Identifiers: MedGen C4013980.
Obesity. Also called: Obesity disorder. Identifiers: Orphanet 71529, MedGen C0028754, MeSH D009765, MONDO:0011122, HP:0001513.
Obesity due to pro-opiomelanocortin deficiency. Also called: PROOPIOMELANOCORTIN DEFICIENCY; Obesity, adrenal insufficiency, and red hair due to POMC deficiency; OBESITY, EARLY-ONSET, WITH ADRENAL INSUFFICIENCY AND RED HAIR. Identifiers: Orphanet 71526, MedGen C1857854, MONDO:0012335, OMIM 609734.

Allele frequency attached by ClinVar (database versions not stated): ESP Exome Variant Server 0.00127; ExAC 0.00132; 1000 Genomes Project 30x 0.00016; 1000 Genomes Project 0.00020; TOPMed 0.00107.
gnomAD v4.1: 3,141 of 1,604,582 alleles (0.2%); highest among the groups gnomAD compares: Non-Finnish European, 0.24%; 5 homozygotes.

Submissions (12):

PreventionGenetics, part of Exact Sciences
Classification: Uncertain significance for POMC-related condition. Last evaluated: 2026-09-12. Review status: criteria provided, single submitter. Criteria: ACMG Guidelines, 2015. Collection method: clinical testing. Allele origin: germline.
Comment: The POMC c.394C>G variant is predicted to result in the amino acid substitution p.Pro132Ala. This variant has been reported in several individuals with obesity (Lee et al. 2006. PubMed ID: 16459314; Table S1, Kleinendorst et al. 2018. PubMed ID: 29970488; Dubern et al. 2008. PubMed ID: 18091355; Shah et al. 2023. PubMed ID: 36864747; Nordang et al. 2017. PubMed ID: 28377240) but also in control subjects (Nordang et al. 2017. PubMed ID: 28377240). In vitro functional studies showed this variant did not reduce protein function and could cause increased function (Supplemental Data Set 3, Shah et al. 2023. PubMed ID: 36864747). This variant is reported in 0.21% of alleles in individuals of European (Finnish) descent in gnomAD, including one homozygous individual. Although we suspect that this variant may be benign, at this time, the clinical significance of this variant is uncertain due to the absence of conclusive functional and genetic evidence.

Labcorp Genetics (formerly Invitae), Labcorp
Classification: Benign. Last evaluated: 2025-12-30. Review status: criteria provided, single submitter. Criteria: Invitae Variant Classification Sherloc (09022015). Collection method: clinical testing. Allele origin: germline.

CeGaT Center for Human Genetics Tuebingen
Classification: Likely benign. Last evaluated: 2025-09-01. Review status: criteria provided, single submitter. Criteria: CeGaT Center For Human Genetics Tuebingen Variant Classification Criteria Version 2. Collection method: clinical testing. Allele origin: germline. Affected: yes. Observed: 2 variant alleles.
Comment: POMC: BS2

Blueprint Genetics
Classification: Likely benign. Last evaluated: 2024-11-01. Review status: criteria provided, single submitter. Criteria: ACMG Guidelines, 2015. Collection method: clinical testing. Allele origin: germline.

Cambridge Genomics Laboratory, East Genomic Laboratory Hub, NHS Genomic Medicine Service
Classification: Likely benign for Severe early-onset obesity. Last evaluated: 2024-08-28. Review status: criteria provided, single submitter. Criteria: ACGS Best Practice Guidelines for Variant Classification in Rare Disease 2020. Collection method: clinical testing. Allele origin: germline. Affected: yes.
Comment: The p.Pro132Ala variant is observed in 40/18.548 (0.2157%) alleles from individuals of gnomAD European Finnish background in gnomAD All, which is greater than expected for the disorder. (BS1 - Strong)

GeneDx
Classification: Uncertain significance. Last evaluated: 2024-04-18. Review status: criteria provided, single submitter. Criteria: GeneDx Variant Classification Process June 2021. Collection method: clinical testing. Allele origin: germline. Affected: yes.
Comment: In silico analysis supports that this missense variant does not alter protein structure/function; Variant reported in multiple patients with severe obesity but also reported in patients from the control group in the published literature (PMID: 28377240, 16459314, 18091355, 29970488); This variant is associated with the following publications: (PMID: 16459314, 25448875, 18091355, 29970488, 28377240, 35562395)

Mendelics
Classification: Benign. Last evaluated: 2022-05-04. Review status: criteria provided, single submitter. Criteria: Mendelics Assertion Criteria 2019. Collection method: clinical testing. Allele origin: germline.

Genetic Services Laboratory, University of Chicago
Classification: Uncertain significance. Last evaluated: 2019-02-15. Review status: criteria provided, single submitter. Criteria: ACMG Guidelines, 2015. Collection method: clinical testing. Allele origin: germline. Affected: no.

Illumina Laboratory Services, Illumina
Classification: Uncertain significance for Obesity due to pro-opiomelanocortin deficiency. Last evaluated: 2017-04-27. Review status: criteria provided, single submitter. Criteria: ICSL Variant Classification Criteria 13 December 2019. Collection method: clinical testing. Allele origin: germline.
Comment: This variant was observed as part of a predisposition screen in an ostensibly healthy population. A literature search was performed for the gene, cDNA change, and amino acid change (where applicable). Publications were found based on this search. However, the evidence from the literature, in combination with allele frequency data from public databases where available, was not sufficient to rule this variant in or out of causing disease. Therefore, this variant is classified as a variant of unknown significance.

Illumina Laboratory Services, Illumina
Classification: Uncertain significance for Inherited obesity. Last evaluated: 2017-04-27. Review status: criteria provided, single submitter. Criteria: ICSL Variant Classification Criteria 13 December 2019. Collection method: clinical testing. Allele origin: germline.
Comment: the same text as in the submission from Illumina Laboratory Services, Illumina above.

Clinical Genetics, Academic Medical Center
Classification: Likely benign. Review status: no assertion criteria provided. Collection method: clinical testing. Allele origin: germline. Affected: yes. Study: VKGL Data-share Consensus. Not counted in ClinVar's aggregate classification.

Genome Diagnostics Laboratory, University Medical Center Utrecht
Classification: Likely benign. Review status: no assertion criteria provided. Collection method: clinical testing. Allele origin: germline. Affected: yes. Study: VKGL Data-share Consensus. Not counted in ClinVar's aggregate classification.

Literature cited by the submitters: PubMed 18091355 (cited by Illumina Laboratory Services, Illumina); PubMed 16459314 (cited by Illumina Laboratory Services, Illumina).

NM_000939.4(POMC):c.394C>G (p.Pro132Ala)

Gene: POMC (proopiomelanocortin; minus strand). Cytogenetic location: 2p23.3.
Variant type: single nucleotide variant.
Coding change: c.394C>G on transcript NM_000939.4 (MANE Select); coding-DNA position 394, C replaced by G.
Protein change: p.Pro132Ala; replaces proline 132 with alanine.
Molecular consequence: missense variant.
Genome position (GRCh38, 1-based): chr2:25,161,491, G>C on the plus strand (C>G on the coding strand, the complement: POMC is on the minus strand). VCF-style: chr2-25161491-G-C. GRCh37 (hg19) VCF-style: chr2-25384360-G-C.
Other names: c.394C>G (NM_000939.3); c.394C>G, p.Pro132Ala (NM_001035256.3, NM_001319204.2, NM_001319205.2); short protein forms P132A.
Identifiers: ClinVar variation 896986 (VCV000896986.48), dbSNP rs8192606, ClinGen allele CA1555306.